The following is an entry in ClinVar:

NM_000264.5(PTCH1):c.3933G>T (p.Leu1311Phe)

Gene: PTCH1 (patched 1; minus strand). Cytogenetic location: 9q22.32.
Variant type: single nucleotide variant.
Coding change: c.3933G>T on transcript NM_000264.5 (MANE Select); coding-DNA position 3933, G replaced by T.
Protein change: p.Leu1311Phe; replaces leucine 1311 with phenylalanine.
Molecular consequence: missense variant. On other transcripts: non-coding transcript variant (1).
Genome position (GRCh38, 1-based): chr9:95,447,323, C>A on the plus strand (G>T on the coding strand, the complement: PTCH1 is on the minus strand). VCF-style: chr9-95447323-C-A. GRCh37 (hg19) VCF-style: chr9-98209605-C-A.
Other names: c.3735G>T, p.Leu1245Phe (NM_001083602.3); c.3930G>T, p.Leu1310Phe (NM_001083603.3); c.3480G>T, p.Leu1160Phe (NM_001083604.3, NM_001083605.3, NM_001083606.3 and 1 more transcripts); c.3777G>T, p.Leu1259Phe (NM_001354918.2); short protein forms L1245F, L1311F, L1259F, L1310F, L1160F.
Identifiers: ClinVar variation 571003 (VCV000571003.12), dbSNP rs761688859, ClinGen allele CA5137998.

ClinVar aggregate classification (germline): Conflicting classifications of pathogenicity. Review status: criteria provided, conflicting classifications (1 of 4 stars). 2 submissions from 2 submitters: Uncertain significance (1); Likely benign (1). Last evaluated 2025-05-24.

Conditions:
Hereditary cancer-predisposing syndrome. Also called: Hereditary neoplastic syndrome; Neoplastic Syndromes, Hereditary; Hereditary Cancer Syndrome; Tumor predisposition. Identifiers: Orphanet 140162, MedGen C0027672, MeSH D009386, MONDO:0015356.
Gorlin syndrome. Also called: Nevoid Basal Cell Carcinoma Syndrome; Basal cell nevus syndrome. Identifiers: Orphanet 377, MedGen C0004779, MONDO:0007187.

Allele frequency attached by ClinVar (database versions not stated): gnomAD exomes below 0.00001; ExAC 0.00001.

Submissions (2):

Ambry Genetics
Classification: Uncertain significance for Hereditary cancer-predisposing syndrome. Last evaluated: 2025-05-24. Review status: criteria provided, single submitter. Criteria: Ambry Variant Classification Scheme 2023. Collection method: clinical testing. Allele origin: germline.
Comment: The p.L1311F variant (also known as c.3933G>T), located in coding exon 23 of the PTCH1 gene, results from a G to T substitution at nucleotide position 3933. The leucine at codon 1311 is replaced by phenylalanine, an amino acid with highly similar properties. This amino acid position is conserved. In addition, this alteration is predicted to be tolerated by in silico analysis. Since supporting evidence is limited at this time, the clinical significance of this alteration remains unclear.

Labcorp Genetics (formerly Invitae), Labcorp
Classification: Likely benign for Gorlin syndrome. Last evaluated: 2025-01-06. Review status: criteria provided, single submitter. Criteria: Invitae Variant Classification Sherloc (09022015). Collection method: clinical testing. Allele origin: germline.